The following is an entry in ClinVar:

NM_006269.2(RP1):c.2719A>G (p.Ile907Val)

Gene: RP1 (RP1 axonemal microtubule associated; plus strand). Cytogenetic location: 8q12.1.
Variant type: single nucleotide variant.
Coding change: c.2719A>G on transcript NM_006269.2 (MANE Select); coding-DNA position 2719, A replaced by G.
Protein change: p.Ile907Val; replaces isoleucine 907 with valine.
Molecular consequence: missense variant. On other transcripts: intron variant (1).
Genome position (GRCh38, 1-based): chr8:54,626,601, A>G. VCF-style: chr8-54626601-A-G. GRCh37 (hg19) VCF-style: chr8-55539161-A-G.
Other names: c.787+4313A>G (NM_001375654.1); short protein forms I907V.
Identifiers: ClinVar variation 954398 (VCV000954398.10), dbSNP rs1444502867, ClinGen allele CA370994470.
Genomic context (GRCh38, chr8:54,626,601, plus strand): 5'-CATGCTACAACCAGGGCAAATTCTTTAGCTTCTTTGAAAAAACCTGATTTTCCTGAGGCT[A>G]TTGCTCATCATTCAATTCAAAATTATATACAGAGTTGGTTGCAGAACATAAATCCATATC-3'
Protein context (NP_006260.1, residues 897-917): SLKKPDFPEA[Ile907Val]AHHSIQNYIQ

ClinVar aggregate classification (germline): Uncertain significance. Review status: criteria provided, multiple submitters, no conflicts (2 of 4 stars). 2 submissions from 2 submitters: Uncertain significance (2). Last evaluated 2024-12-02.

Conditions:
Inborn genetic diseases. Identifiers: MedGen C0950123, MeSH D030342.

Allele frequency attached by ClinVar (database versions not stated): gnomAD exomes below 0.00001; gnomAD 0.00001; TOPMed 0.00001.
gnomAD v4.1: 4 of 1,613,526 alleles (0.00025%); highest among the groups gnomAD compares: African/African-American, 0.0027%; no homozygotes.

Submissions (2):

Ambry Genetics
Classification: Uncertain significance for Inborn genetic diseases. Last evaluated: 2024-12-02. Review status: criteria provided, single submitter. Criteria: Ambry Variant Classification Scheme 2023. Collection method: clinical testing. Allele origin: germline.

Labcorp Genetics (formerly Invitae), Labcorp
Classification: Uncertain significance. Last evaluated: 2022-11-22. Review status: criteria provided, single submitter. Criteria: Invitae Variant Classification Sherloc (09022015). Collection method: clinical testing. Allele origin: germline.
Comment: This sequence change replaces isoleucine, which is neutral and non-polar, with valine, which is neutral and non-polar, at codon 907 of the RP1 protein (p.Ile907Val). The frequency data for this variant in the population databases is considered unreliable, as metrics indicate poor data quality at this position in the gnomAD database. This missense change has been observed in individual(s) with clinical features of RP1-related conditions (Invitae). ClinVar contains an entry for this variant (Variation ID: 954398). Algorithms developed to predict the effect of missense changes on protein structure and function output the following: SIFT: "Tolerated"; PolyPhen-2: "Benign"; Align-GVGD: "Class C0". The valine amino acid residue is found in multiple mammalian species, which suggests that this missense change does not adversely affect protein function. In summary, the available evidence is currently insufficient to determine the role of this variant in disease. Therefore, it has been classified as a Variant of Uncertain Significance.